The following is an entry in ClinVar:

NM_018026.4(PACS1):c.2438A>G (p.Asn813Ser)

Gene: PACS1 (phosphofurin acidic cluster sorting protein 1; plus strand). Cytogenetic location: 11q13.2.
Variant type: single nucleotide variant.
Coding change: c.2438A>G on transcript NM_018026.4 (MANE Select); coding-DNA position 2438, A replaced by G.
Protein change: p.Asn813Ser; replaces asparagine 813 with serine.
Molecular consequence: missense variant.
Genome position (GRCh38, 1-based): chr11:66,241,435, A>G. VCF-style: chr11-66241435-A-G. GRCh37 (hg19) VCF-style: chr11-66008906-A-G.
Other names: short protein forms N813S.
Identifiers: ClinVar variation 5039542 (VCV005039542.1).
Genomic context (GRCh38, chr11:66,241,435, plus strand): 5'-AGTTGGGAGCTGAAGGCAGAGCTGACCTCTCCTCTTTGTTCCCTTTCCTCAGGAGCCCTA[A>G]TAGCCCATATGGGGACGTGATTGGCCTCCAGGTGGACTACTGGCTGGGCCACCCCGGGGA-3'
Protein context (NP_060496.2, residues 803-823): SSALAIVGSP[Asn813Ser]SPYGDVIGLQ

ClinVar aggregate classification (germline): Uncertain significance (1 of 4 stars; one submission).

Submission:

CeGaT Center for Human Genetics Tuebingen
Classification: Uncertain significance. Last evaluated: 2026-08-01. Review status: criteria provided, single submitter. Criteria: CeGaT Center For Human Genetics Tuebingen Variant Classification Criteria Version 2. Collection method: clinical testing. Allele origin: germline. Affected: yes. Observed: 1 variant allele.
Comment: PACS1: PM2, PP2, BP4